The following is an entry in ClinVar:

ClinVar aggregate classification (germline): Uncertain significance. Review status: criteria provided, multiple submitters, no conflicts (2 of 4 stars). 3 submissions from 3 submitters: Uncertain significance (3). Last evaluated 2025-08-28.

Conditions:
Inborn genetic diseases. Identifiers: MedGen C0950123, MeSH D030342.

Allele frequency attached by ClinVar (database versions not stated): ExAC 0.00001; gnomAD 0.00001; TOPMed 0.00002.
gnomAD v4.1: 21 of 1,614,056 alleles (0.0013%); highest among the groups gnomAD compares: South Asian, 0.022%; no homozygotes.

Submissions (3):

Ambry Genetics
Classification: Uncertain significance for Inborn genetic diseases. Last evaluated: 2025-08-28. Review status: criteria provided, single submitter. Criteria: Ambry Variant Classification Scheme 2023. Collection method: clinical testing. Allele origin: germline.

Revvity Omics, Revvity
Classification: Uncertain significance. Last evaluated: 2023-09-21. Review status: criteria provided, single submitter. Criteria: ACMG Guidelines, 2015. Collection method: clinical testing. Allele origin: germline.

Labcorp Genetics (formerly Invitae), Labcorp
Classification: Uncertain significance. Last evaluated: 2022-08-10. Review status: criteria provided, single submitter. Criteria: Invitae Variant Classification Sherloc (09022015). Collection method: clinical testing. Allele origin: germline.
Comment: This sequence change replaces valine, which is neutral and non-polar, with leucine, which is neutral and non-polar, at codon 391 of the FLNB protein (p.Val391Leu). In summary, the available evidence is currently insufficient to determine the role of this variant in disease. Therefore, it has been classified as a Variant of Uncertain Significance. Advanced modeling of protein sequence and biophysical properties (such as structural, functional, and spatial information, amino acid conservation, physicochemical variation, residue mobility, and thermodynamic stability) performed at Invitae indicates that this missense variant is not expected to disrupt FLNB protein function. This variant has not been reported in the literature in individuals affected with FLNB-related conditions. This variant is present in population databases (rs763583078, gnomAD 0.006%).

NM_001457.4(FLNB):c.1171G>C (p.Val391Leu)

Gene: FLNB (filamin B; plus strand). Cytogenetic location: 3p14.3.
Variant type: single nucleotide variant.
Coding change: c.1171G>C on transcript NM_001457.4 (MANE Select); coding-DNA position 1171, G replaced by C.
Protein change: p.Val391Leu; replaces valine 391 with leucine.
Molecular consequence: missense variant.
Genome position (GRCh38, 1-based): chr3:58,098,734, G>C. VCF-style: chr3-58098734-G-C. GRCh37 (hg19) VCF-style: chr3-58084461-G-C.
Other names: c.1171G>C, p.Val391Leu (NM_001164317.2, NM_001164318.2, NM_001164319.2); c.1171G>C (NM_001457.3); short protein forms V391L.
Identifiers: ClinVar variation 2428062 (VCV002428062.8), dbSNP rs763583078, ClinGen allele CA2467730.